The following is an entry in ClinVar:

NM_006031.6(PCNT):c.9273C>G (p.Ser3091Arg)

Gene: PCNT (pericentrin; plus strand). Cytogenetic location: 21q22.3.
Variant type: single nucleotide variant.
Coding change: c.9273C>G on transcript NM_006031.6 (MANE Select); coding-DNA position 9273, C replaced by G.
Protein change: p.Ser3091Arg; replaces serine 3091 with arginine.
Molecular consequence: missense variant.
Genome position (GRCh38, 1-based): chr21:46,438,337, C>G. VCF-style: chr21-46438337-C-G. GRCh37 (hg19) VCF-style: chr21-47858250-C-G.
Other names: c.8682C>G, p.Ser2894Arg (NM_001315529.2); short protein forms S2894R, S3091R.
Identifiers: ClinVar variation 3356261 (VCV003356261.1).

ClinVar aggregate classification (germline): Uncertain significance (0 of 4 stars; one submission).

Conditions:
PCNT-related disorder. Also called: PCNT-related condition.

gnomAD v4.1: 10 of 1,613,744 alleles (0.00062%); highest among the groups gnomAD compares: East Asian, 0.0022%; no homozygotes.

Submission:

PreventionGenetics, part of Exact Sciences
Classification: Uncertain significance for PCNT-related condition. Last evaluated: 2024-08-15. Review status: no assertion criteria provided. Collection method: clinical testing. Allele origin: germline.
Comment: The PCNT c.9273C>G variant is predicted to result in the amino acid substitution p.Ser3091Arg. To our knowledge, this variant has not been reported in the literature. This variant is reported in 0.0054% of alleles in individuals of East Asian descent in gnomAD. At this time, the clinical significance of this variant is uncertain due to the absence of conclusive functional and genetic evidence.